The following is an entry in ClinVar:

NM_006129.5(BMP1):c.2545C>T (p.Arg849Ter)

Gene: BMP1 (bone morphogenetic protein 1; plus strand). Cytogenetic location: 8p21.3.
Variant type: single nucleotide variant.
Coding change: c.2545C>T on transcript NM_006129.5 (MANE Select); coding-DNA position 2545, C replaced by T.
Protein change: p.Arg849Ter; replaces arginine 849 with a stop codon.
Molecular consequence: nonsense. On other transcripts: non-coding transcript variant (1).
Genome position (GRCh38, 1-based): chr8:22,207,486, C>T. VCF-style: chr8-22207486-C-T. GRCh37 (hg19) VCF-style: chr8-22064999-C-T.
Other names: short protein forms R849*.
Identifiers: ClinVar variation 2982338 (VCV002982338.3), dbSNP rs757267575, ClinGen allele CA370510216.

ClinVar aggregate classification (germline): Pathogenic (1 of 4 stars; one submission).

Allele frequency attached by ClinVar (database versions not stated): gnomAD 0.00001.
gnomAD v4.1: 10 of 1,613,574 alleles (0.00062%); highest among the groups gnomAD compares: Admixed American, 0.0017%; no homozygotes.

Submission:

Labcorp Genetics (formerly Invitae), Labcorp
Classification: Pathogenic. Last evaluated: 2023-11-20. Review status: criteria provided, single submitter. Criteria: Invitae Variant Classification Sherloc (09022015). Collection method: clinical testing. Allele origin: germline.
Comment: This sequence change creates a premature translational stop signal (p.Arg849*) in the BMP1 gene. It is expected to result in an absent or disrupted protein product. Loss-of-function variants in BMP1 are known to be pathogenic (PMID: 25656619, 27576954, 28257626). This variant is present in population databases (no rsID available, gnomAD 0.003%). This variant has not been reported in the literature in individuals affected with BMP1-related conditions. For these reasons, this variant has been classified as Pathogenic.

Literature cited by the submitters: PubMed 25656619; PubMed 27576954; PubMed 28257626.